The following is an entry in ClinVar:

NM_000439.5(PCSK1):c.1051C>T (p.Leu351=)

Genes: CAST (calpastatin; plus strand), PCSK1 (proprotein convertase subtilisin/kexin type 1; minus strand), LOC101929710 (uncharacterized LOC101929710; plus strand). Cytogenetic location: 5q15.
Variant type: single nucleotide variant.
Coding change: c.1051C>T on transcript NM_000439.5 (MANE Select); coding-DNA position 1051, C replaced by T.
Protein change: p.Leu351=; no amino-acid change (leucine 351 retained).
Molecular consequence: synonymous variant. On other transcripts: intron variant (11).
Genome position (GRCh38, 1-based): chr5:96,410,818, G>A on the plus strand (C>T on the coding strand, the complement: PCSK1 is on the minus strand). VCF-style: chr5-96410818-G-A. GRCh37 (hg19) VCF-style: chr5-95746522-G-A.
Other names: c.910C>T, p.Leu304= (NM_001177875.2); c.-175+31166G>A (NM_001423254.1, NM_001423259.1, NM_001423255.1 and 6 more transcripts); c.-103+31166G>A (NM_001423253.1); c.-40+31166G>A (NM_001423258.1).
Identifiers: ClinVar variation 5000853 (VCV005000853.1).

ClinVar aggregate classification (germline): Likely benign (1 of 4 stars; one submission).

Conditions:
PCSK1-related disorder. Also called: PCSK1-related condition.

gnomAD v4.1: 1 of 1,614,148 alleles (0.000062%); highest among the groups gnomAD compares: Non-Finnish European, 0.000085%; no homozygotes.

Submission:

PreventionGenetics, part of Exact Sciences
Classification: Likely benign for PCSK1-related condition. Last evaluated: 2025-05-12. Review status: criteria provided, single submitter. Criteria: ACMG Guidelines, 2015. Collection method: clinical testing. Allele origin: germline.
Comment: This variant is classified as likely benign based on ACMG/AMP sequence variant interpretation guidelines (Richards et al. 2015 PMID: 25741868, with internal and published modifications).